The following is an entry in ClinVar:

NM_013275.6(ANKRD11):c.7106C>T (p.Ala2369Val)

Gene: ANKRD11 (ankyrin repeat domain 11; minus strand). Cytogenetic location: 16q24.3.
Variant type: single nucleotide variant.
Coding change: c.7106C>T on transcript NM_013275.6 (MANE Select); coding-DNA position 7106, C replaced by T.
Protein change: p.Ala2369Val; replaces alanine 2369 with valine.
Molecular consequence: missense variant.
Genome position (GRCh38, 1-based): chr16:89,279,436, G>A on the plus strand (C>T on the coding strand, the complement: ANKRD11 is on the minus strand). VCF-style: chr16-89279436-G-A. GRCh37 (hg19) VCF-style: chr16-89345844-G-A.
Other names: c.7106C>T, p.Ala2369Val (NM_001256182.2, NM_001256183.2); short protein forms A2369V.
Identifiers: ClinVar variation 4853754 (VCV004853754.1).
Genomic context (GRCh38, chr16:89,279,436, plus strand): 5'-AAGCGGCGTTTGCGCGGATGCTGGGCCTGGGCGTCGTCGTCCTCGGAGCCGCGGGCCTTG[G>A]CCCTGGTGACCGGGGCAGGGGTGGGGGCGCACTCCTTCTCGGAGGGGGGCGGGCCCTGCT-3'
Protein context (NP_037407.4, residues 2359-2379): CAPTPAPVTR[Ala2369Val]KARGSEDDDA

ClinVar aggregate classification (germline): Uncertain significance (1 of 4 stars; one submission).

gnomAD v4.1: 3 of 1,514,836 alleles (0.0002%); highest among the groups gnomAD compares: Non-Finnish European, 0.00027%; no homozygotes.

Submission:

Women's Health and Genetics/Laboratory Corporation of America, LabCorp
Classification: Uncertain significance. Last evaluated: 2026-05-20. Review status: criteria provided, single submitter. Criteria: LabCorp Variant Classification Summary - May 2015. Collection method: clinical testing. Allele origin: germline.
Comment: Variant summary: ANKRD11 c.7106C>T (p.Ala2369Val) results in a non-conservative amino acid change in the encoded protein sequence. Algorithms developed to predict the effect of missense changes on protein structure and function are either unavailable or do not agree on the potential impact of this missense change. The variant was absent in 121138 control chromosomes. The available data on variant occurrences in the general population are insufficient to allow any conclusion about variant significance. To our knowledge, no occurrence of c.7106C>T in individuals affected with ANKRD11-related conditions and no experimental evidence demonstrating its impact on protein function have been reported. No submitters have cited clinical-significance assessments for this variant to ClinVar. Based on the evidence outlined above, the variant was classified as uncertain significance.